The following is an entry in ClinVar:

NM_002471.4(MYH6):c.4306C>T (p.Arg1436Cys)

Gene: MYH6 (myosin heavy chain 6; minus strand). Cytogenetic location: 14q11.2.
Variant type: single nucleotide variant.
Coding change: c.4306C>T on transcript NM_002471.4 (MANE Select); coding-DNA position 4306, C replaced by T.
Protein change: p.Arg1436Cys; replaces arginine 1436 with cysteine.
Molecular consequence: missense variant.
Genome position (GRCh38, 1-based): chr14:23,388,208, G>A on the plus strand (C>T on the coding strand, the complement: MYH6 is on the minus strand). VCF-style: chr14-23388208-G-A. GRCh37 (hg19) VCF-style: chr14-23857417-G-A.
Other names: short protein forms R1436C.
Identifiers: ClinVar variation 1051749 (VCV001051749.10), dbSNP rs746893658, ClinGen allele CA7114825.

ClinVar aggregate classification (germline): Uncertain significance. Review status: criteria provided, multiple submitters, no conflicts (2 of 4 stars). 2 submissions from 2 submitters: Uncertain significance (2). Last evaluated 2024-05-17.

Conditions:
Hypertrophic cardiomyopathy 14. Identifiers: MedGen C2750467, MONDO:0013197, OMIM 613251.
Cardiovascular phenotype. Identifiers: MedGen CN230736.

Allele frequency attached by ClinVar (database versions not stated): gnomAD 0.00001.
gnomAD v4.1: 60 of 1,612,270 alleles (0.0037%); highest among the groups gnomAD compares: East Asian, 0.0067%; no homozygotes.

Submissions (2):

Ambry Genetics
Classification: Uncertain significance for Cardiovascular phenotype. Last evaluated: 2024-05-17. Review status: criteria provided, single submitter. Criteria: Ambry Variant Classification Scheme 2023. Collection method: clinical testing. Allele origin: germline.
Comment: The p.R1436C variant (also known as c.4306C>T), located in coding exon 28 of the MYH6 gene, results from a C to T substitution at nucleotide position 4306. The arginine at codon 1436 is replaced by cysteine, an amino acid with highly dissimilar properties. This variant was detected in one individual with hypertrophic cardiomyopathy from a cardiac genetic testing cohort; however, clinical details were limited, and an additional cardiac variant was also detected (van Lint FHM et al. Neth Heart J, 2019 Jun;27:304-309). This amino acid position is highly conserved in available vertebrate species. In addition, this alteration is predicted to be deleterious by in silico analysis. Since supporting evidence is limited at this time, the clinical significance of this alteration remains unclear. Since supporting evidence is limited at this time, the clinical significance of this alteration remains unclear.

Labcorp Genetics (formerly Invitae), Labcorp
Classification: Uncertain significance for Hypertrophic cardiomyopathy 14. Last evaluated: 2023-05-06. Review status: criteria provided, single submitter. Criteria: Invitae Variant Classification Sherloc (09022015). Collection method: clinical testing. Allele origin: germline.
Comment: This variant is present in population databases (rs746893658, gnomAD 0.01%). This sequence change replaces arginine, which is basic and polar, with cysteine, which is neutral and slightly polar, at codon 1436 of the MYH6 protein (p.Arg1436Cys). This variant has not been reported in the literature in individuals affected with MYH6-related conditions. In summary, the available evidence is currently insufficient to determine the role of this variant in disease. Therefore, it has been classified as a Variant of Uncertain Significance. Advanced modeling of protein sequence and biophysical properties (such as structural, functional, and spatial information, amino acid conservation, physicochemical variation, residue mobility, and thermodynamic stability) performed at Invitae indicates that this missense variant is not expected to disrupt MYH6 protein function. ClinVar contains an entry for this variant (Variation ID: 1051749).

Literature cited by the submitters: PubMed 29420653 (cited by Ambry Genetics); PubMed 30847666 (cited by Ambry Genetics).